The following is an entry in ClinVar:

NM_001613.4(ACTA2):c.115C>G (p.Arg39Gly)

Gene: ACTA2 (actin alpha 2, smooth muscle; minus strand). Cytogenetic location: 10q23.31.
Variant type: single nucleotide variant.
Coding change: c.115C>G on transcript NM_001613.4 (MANE Select); coding-DNA position 115, C replaced by G.
Protein change: p.Arg39Gly; replaces arginine 39 with glycine.
Molecular consequence: missense variant.
Genome position (GRCh38, 1-based): chr10:88,948,816, G>C on the plus strand (C>G on the coding strand, the complement: ACTA2 is on the minus strand). VCF-style: chr10-88948816-G-C. GRCh37 (hg19) VCF-style: chr10-90708573-G-C.
Other names: c.115C>G, p.Arg39Gly (NM_001141945.3, NM_001320855.2, NM_001406462.1 and 7 more transcripts); short protein forms R39G.
Identifiers: ClinVar variation 199665 (VCV000199665.19), dbSNP rs112901682, ClinGen allele CA006808.

ClinVar aggregate classification (germline): Pathogenic/Likely pathogenic. Review status: criteria provided, multiple submitters, no conflicts (2 of 4 stars). 3 submissions from 3 submitters: Pathogenic (1); Likely pathogenic (2). Last evaluated 2025-02-19.

Conditions:
Familial thoracic aortic aneurysm and aortic dissection (TAAD). Also called: Thoracic aortic aneurysms and dissections. Identifiers: Orphanet 91387, MedGen C4707243, MONDO:0019625.
Aortic aneurysm, familial thoracic 6 (AAT6). Also called: FAMILIAL THORACIC AORTIC ANEURYSM WITH LIVEDO RETICULARIS AND IRIS FLOCCULI. Identifiers: MedGen C2673186, MONDO:0012730, OMIM 611788.

Submissions (3):

Ambry Genetics
Classification: Likely pathogenic for Familial thoracic aortic aneurysm and aortic dissection. Last evaluated: 2025-02-19. Review status: criteria provided, single submitter. Criteria: Ambry Variant Classification Scheme 2023. Collection method: clinical testing. Allele origin: germline.
Comment: The p.R39G variant (also known as c.115C>G), located in coding exon 1 of the ACTA2 gene, results from a C to G substitution at nucleotide position 115. The arginine at codon 39 is replaced by glycine, an amino acid with dissimilar properties. This amino acid is located in the SD2 domain, whose dynamics are essential for ATP hydrolysis (Guo DC et al. Am J Hum Genet. 2009;84(5):617-27). In one family, this variant was described in 14 individuals, four of whom were reported to have had aortic dissection and/or surgical repair of aortic aneurysm (Regalado ES et al. Circ Cardiovasc Genet. 2015;8(3):457-64). This missense alteration is located in a region that has a low rate of benign missense variation (Lek M et al. Nature. 2016 Aug 18;536(7616):285-91; DECIPHER: Database of Chromosomal Imbalance and Phenotype in Humans using Ensembl Resources. Firth H.V. et al. 2009. Am.J.Hum.Genet. 84, 524-533 (DOI)). This amino acid position is highly conserved in available vertebrate species. In addition, this alteration is predicted to be deleterious by in silico analysis. This variant is considered to be rare based on population cohorts in the Genome Aggregation Database (gnomAD). Based on the majority of available evidence to date, this variant is likely to be pathogenic.

Labcorp Genetics (formerly Invitae), Labcorp
Classification: Pathogenic for Aortic aneurysm, familial thoracic 6. Last evaluated: 2024-03-01. Review status: criteria provided, single submitter. Criteria: Invitae Variant Classification Sherloc (09022015). Collection method: clinical testing. Allele origin: germline.
Comment: This sequence change replaces arginine, which is basic and polar, with glycine, which is neutral and non-polar, at codon 39 of the ACTA2 protein (p.Arg39Gly). This variant is not present in population databases (gnomAD no frequency). This missense change has been observed in individual(s) with clinical features of ACTA2-related conditions (PMID: 25759435; Invitae). It has also been observed to segregate with disease in related individuals. ClinVar contains an entry for this variant (Variation ID: 199665). Advanced modeling of protein sequence and biophysical properties (such as structural, functional, and spatial information, amino acid conservation, physicochemical variation, residue mobility, and thermodynamic stability) has been performed at Invitae for this missense variant, however the output from this modeling did not meet the statistical confidence thresholds required to predict the impact of this variant on ACTA2 protein function. This variant disrupts the p.Arg39 amino acid residue in ACTA2. Other variant(s) that disrupt this residue have been determined to be pathogenic (PMID: 19409525, 21248741, 21733706, 21937134, 24243736, 25644172, 25759435, 27611364; Invitae). This suggests that this residue is clinically significant, and that variants that disrupt this residue are likely to be disease-causing. For these reasons, this variant has been classified as Pathogenic.

ARUP Laboratories, Molecular Genetics and Genomics, ARUP Laboratories
Classification: Likely pathogenic. Last evaluated: 2021-06-03. Review status: criteria provided, single submitter. Criteria: ARUP Molecular Germline Variant Investigation Process 2021. Collection method: clinical testing. Allele origin: germline.
Comment: The ACTA2 c.115C>G; p.Arg39Gly variant (rs112901682) is reported in the literature in a family affected with aortic disease (Regalado 2015). This variant is absent from general population databases (Exome Variant Server, Genome Aggregation Database), indicating it is not a common polymorphism. The arginine at codon 39 is highly conserved, and computational analyses predict that this variant is deleterious (REVEL: 0.844). Additionally, other amino acid substitutions at this codon (p.Arg39Cys and p.Arg39His) have been reported in individuals with aortic aneurysm and dissection and are considered pathogenic (Hoffjan 2011, Overwater 2018, Regalado 2015). Based on available information, the p.Arg39Gly variant is considered to be likely pathogenic. References: Hoffjan S et al. Three novel mutations in the ACTA2 gene in German patients with thoracic aortic aneurysms and dissections. Eur J Hum Genet. 2011 May;19(5):520-4. PMID: 21248741. Overwater E et al. Results of next-generation sequencing gene panel diagnostics including copy-number variation analysis in 810 patients suspected of heritable thoracic aortic disorders. Hum Mutat. 2018 Sep;39(9):1173-1192. PMID: 29907982. Regalado et al. Aortic Disease Presentation and Outcome Associated With ACTA2 Mutations. Circ Cardiovasc Genet. 2015 Jun;8(3):457-64. PMID: 25759435.

Literature cited by the submitters: PubMed 19409525 (cited by Ambry Genetics and Labcorp Genetics (formerly Invitae), Labcorp); PubMed 21248741 (cited by Ambry Genetics and Labcorp Genetics (formerly Invitae), Labcorp); PubMed 25759435 (cited by Ambry Genetics and Labcorp Genetics (formerly Invitae), Labcorp); PubMed 21733706 (cited by Labcorp Genetics (formerly Invitae), Labcorp); PubMed 21937134 (cited by Labcorp Genetics (formerly Invitae), Labcorp); PubMed 24243736 (cited by Labcorp Genetics (formerly Invitae), Labcorp); PubMed 25644172 (cited by Labcorp Genetics (formerly Invitae), Labcorp); PubMed 27611364 (cited by Labcorp Genetics (formerly Invitae), Labcorp).